The following is an entry in ClinVar:

ClinVar aggregate classification (germline): Uncertain significance (1 of 4 stars; one submission).

Conditions:
Hereditary cancer-predisposing syndrome. Also called: Hereditary neoplastic syndrome; Neoplastic Syndromes, Hereditary; Tumor predisposition; Hereditary Cancer Syndrome. Identifiers: Orphanet 140162, MedGen C0027672, MeSH D009386, MONDO:0015356.

gnomAD v4.1: 1 of 1,613,830 alleles (0.000062%); highest among the groups gnomAD compares: Non-Finnish European, 0.000085%; no homozygotes.

Submission:

Ambry Genetics
Classification: Uncertain significance for Hereditary cancer-predisposing syndrome. Last evaluated: 2025-02-02. Review status: criteria provided, single submitter. Criteria: Ambry Variant Classification Scheme 2023. Collection method: clinical testing. Allele origin: germline.
Comment: The p.Q34P variant (also known as c.101A>C), located in coding exon 1 of the CHEK2 gene, results from an A to C substitution at nucleotide position 101. The glutamine at codon 34 is replaced by proline, an amino acid with similar properties. This amino acid position is conserved. In addition, the in silico prediction for this alteration is inconclusive. Based on the available evidence, the clinical significance of this variant remains unclear.

NM_007194.4(CHEK2):c.101A>C (p.Gln34Pro)

Gene: CHEK2 (checkpoint kinase 2; minus strand). Cytogenetic location: 22q12.1.
Variant type: single nucleotide variant.
Coding change: c.101A>C on transcript NM_007194.4 (MANE Select); coding-DNA position 101, A replaced by C.
Protein change: p.Gln34Pro; replaces glutamine 34 with proline.
Molecular consequence: missense variant.
Genome position (GRCh38, 1-based): chr22:28,734,621, T>G on the plus strand (A>C on the coding strand, the complement: CHEK2 is on the minus strand). VCF-style: chr22-28734621-T-G. GRCh37 (hg19) VCF-style: chr22-29130609-T-G.
Other names: c.101A>C, p.Gln34Pro (NM_001005735.3, NM_001349956.3, NM_145862.3); c.-677A>C (NM_001257387.3); short protein forms Q34P.
Identifiers: ClinVar variation 3832943 (VCV003832943.1).
Genomic context (GRCh38, chr22:28,734,621, plus strand): 5'-TGAGAGGACTGGCTGGAGTTTGGCATCGTGCTGGTAGAGGAGCTGGATATGCCCTGGGAC[T>G]GTGAGGAGGAGCCTTGGGACTGGGTAACGCTGCCATGGGGCTGTGAACAGGCACTGCTGC-3'
Protein context (NP_009125.1, residues 24-44): SVTQSQGSSS[Gln34Pro]SQGISSSSTS